The following is an entry in ClinVar:

ClinVar aggregate classification (germline): Uncertain significance (1 of 4 stars; one submission).

Conditions:
Encephalopathy, acute, infection-induced (herpes-specific), susceptibility to, 1. Also called: Herpes simplex encephalitis, susceptibility to, 1. Identifiers: Orphanet 1930, MedGen C2750180, MONDO:0024563, OMIM 610551.

Allele frequency attached by ClinVar (database versions not stated): gnomAD exomes below 0.00001; TOPMed below 0.00001; gnomAD 0.00001.
gnomAD v4.1: 2 of 1,614,070 alleles (0.00012%); highest among the groups gnomAD compares: Non-Finnish European, 0.00017%; no homozygotes.

Submission:

Labcorp Genetics (formerly Invitae), Labcorp
Classification: Uncertain significance for Encephalopathy, acute, infection-induced (herpes-specific), susceptibility to, 1. Last evaluated: 2022-07-17. Review status: criteria provided, single submitter. Criteria: Invitae Variant Classification Sherloc (09022015). Collection method: clinical testing. Allele origin: germline.
Comment: This sequence change replaces glutamine, which is neutral and polar, with lysine, which is basic and polar, at codon 470 of the TLR3 protein (p.Gln470Lys). This variant is not present in population databases (gnomAD no frequency). This variant has not been reported in the literature in individuals affected with TLR3-related conditions. Algorithms developed to predict the effect of missense changes on protein structure and function (SIFT, PolyPhen-2, Align-GVGD) all suggest that this variant is likely to be tolerated. In summary, the available evidence is currently insufficient to determine the role of this variant in disease. Therefore, it has been classified as a Variant of Uncertain Significance.

NM_003265.3(TLR3):c.1408C>A (p.Gln470Lys)

Gene: TLR3 (toll like receptor 3; plus strand). Cytogenetic location: 4q35.1.
Variant type: single nucleotide variant.
Coding change: c.1408C>A on transcript NM_003265.3 (MANE Select); coding-DNA position 1408, C replaced by A.
Protein change: p.Gln470Lys; replaces glutamine 470 with lysine.
Molecular consequence: missense variant.
Genome position (GRCh38, 1-based): chr4:186,083,094, C>A. VCF-style: chr4-186083094-C-A. GRCh37 (hg19) VCF-style: chr4-187004248-C-A.
Other names: short protein forms Q470K.
Identifiers: ClinVar variation 1717230 (VCV001717230.6), dbSNP rs1230106817, ClinGen allele CA358932141.